The following is an entry in ClinVar:

ClinVar aggregate classification (germline): Uncertain significance (1 of 4 stars; one submission).

gnomAD v4.1: 2 of 1,613,482 alleles (0.00012%); highest among the groups gnomAD compares: Non-Finnish European, 0.000085%; no homozygotes.

Submission:

GeneDx
Classification: Uncertain significance. Last evaluated: 2024-11-17. Review status: criteria provided, single submitter. Criteria: GeneDx Variant Classification Process June 2021. Collection method: clinical testing. Allele origin: germline. Affected: yes.
Comment: Not observed at significant frequency in large population cohorts (gnomAD); In silico analysis supports that this missense variant has a deleterious effect on protein structure/function; Has not been previously published as pathogenic or benign to our knowledge

NM_005861.4(STUB1):c.877T>C (p.Phe293Leu)

Genes: JMJD8 (jumonji domain containing 8; minus strand), STUB1 (STIP1 homology and U-box containing protein 1; plus strand). Cytogenetic location: 16p13.3.
Variant type: single nucleotide variant.
Coding change: c.877T>C on transcript NM_005861.4 (MANE Select); coding-DNA position 877, T replaced by C.
Protein change: p.Phe293Leu; replaces phenylalanine 293 with leucine.
Molecular consequence: missense variant. On other transcripts: 3 prime UTR variant (5), non-coding transcript variant (3).
Genome position (GRCh38, 1-based): chr16:682,454, T>C. VCF-style: chr16-682454-T-C. GRCh37 (hg19) VCF-style: chr16-732454-T-C.
Other names: c.661T>C, p.Phe221Leu (NM_001293197.2); c.*340A>G (NM_001005920.4, NM_001323919.3, NM_001323920.3); c.*374A>G (NM_001323918.3, NM_001323922.3); short protein forms F221L, F293L.
Identifiers: ClinVar variation 3899403 (VCV003899403.1).